The following is an entry in ClinVar:

ClinVar aggregate classification (germline): Likely benign. Review status: criteria provided, multiple submitters, no conflicts (2 of 4 stars). 3 submissions from 3 submitters: Likely benign (3). Last evaluated 2024-12-04.

Conditions:
Neuronal ceroid lipofuscinosis. Also called: Neuronal Ceroid Lipofuscinoses. Identifiers: Orphanet 216, Orphanet 79263, MedGen C0027877, MONDO:0016295. Disease mechanism: loss of function.

Allele frequency attached by ClinVar (database versions not stated): TOPMed below 0.00001; gnomAD exomes 0.00005; ExAC 0.00010.
gnomAD v4.1: 26 of 1,467,440 alleles (0.0018%); highest among the groups gnomAD compares: South Asian, 0.0051%; no homozygotes.

Submissions (3):

Labcorp Genetics (formerly Invitae), Labcorp
Classification: Likely benign for Neuronal ceroid lipofuscinosis. Last evaluated: 2024-12-04. Review status: criteria provided, single submitter. Criteria: Invitae Variant Classification Sherloc (09022015). Collection method: clinical testing. Allele origin: germline.

Blueprint Genetics
Classification: Likely benign. Last evaluated: 2024-10-28. Review status: criteria provided, single submitter. Criteria: ACMG Guidelines, 2015. Collection method: clinical testing. Allele origin: germline.

CeGaT Center for Human Genetics Tuebingen
Classification: Likely benign. Last evaluated: 2023-02-01. Review status: criteria provided, single submitter. Criteria: CeGaT Center For Human Genetics Tuebingen Variant Classification Criteria Version 2. Collection method: clinical testing. Allele origin: germline. Affected: yes. Observed: 1 variant allele.
Comment: CLN6: BP4, BP7

NM_017882.3(CLN6):c.72C>T (p.Phe24=)

Gene: CLN6 (CLN6 transmembrane ER protein; minus strand). Cytogenetic location: 15q23.
Variant type: single nucleotide variant.
Coding change: c.72C>T on transcript NM_017882.3 (MANE Select); coding-DNA position 72, C replaced by T.
Protein change: p.Phe24=; no amino-acid change (phenylalanine 24 retained).
Molecular consequence: synonymous variant.
Genome position (GRCh38, 1-based): chr15:68,229,513, G>A on the plus strand (C>T on the coding strand, the complement: CLN6 is on the minus strand). VCF-style: chr15-68229513-G-A. GRCh37 (hg19) VCF-style: chr15-68521851-G-A.
Identifiers: ClinVar variation 1127167 (VCV001127167.34), dbSNP rs767394326, ClinGen allele CA7630730.